The following is an entry in ClinVar:

ClinVar aggregate classification (germline): Uncertain significance (1 of 4 stars; one submission).

Conditions:
KMT2C-related disorder. Also called: KMT2C-related condition; KMT2C-related disorders.

Submission:

PreventionGenetics, part of Exact Sciences
Classification: Uncertain significance for KMT2C-related condition. Last evaluated: 2025-02-28. Review status: criteria provided, single submitter. Criteria: ACMG Guidelines, 2015. Collection method: clinical testing. Allele origin: germline.
Comment: The KMT2C c.12451T>G variant is predicted to result in the amino acid substitution p.Ser4151Ala. To our knowledge, this variant has not been reported in the literature or in a large population database (gnomAD), indicating this variant is rare. At this time, the clinical significance of this variant is uncertain due to the absence of conclusive functional and genetic evidence.

NM_170606.3(KMT2C):c.12451T>G (p.Ser4151Ala)

Gene: KMT2C (lysine methyltransferase 2C; minus strand). Cytogenetic location: 7q36.1.
Variant type: single nucleotide variant.
Coding change: c.12451T>G on transcript NM_170606.3 (MANE Select); coding-DNA position 12451, T replaced by G.
Protein change: p.Ser4151Ala; replaces serine 4151 with alanine.
Molecular consequence: missense variant.
Genome position (GRCh38, 1-based): chr7:152,152,780, A>C on the plus strand (T>G on the coding strand, the complement: KMT2C is on the minus strand). VCF-style: chr7-152152780-A-C. GRCh37 (hg19) VCF-style: chr7-151849865-A-C.
Other names: short protein forms S4151A.
Identifiers: ClinVar variation 5000186 (VCV005000186.1).